The following is an entry in ClinVar:

NM_014946.4(SPAST):c.871-7C>G

Gene: SPAST (spastin; plus strand). Cytogenetic location: 2p22.3.
Variant type: single nucleotide variant.
Coding change: c.871-7C>G on transcript NM_014946.4 (MANE Select); 7 bases into the intron before coding-DNA position 871, C replaced by G.
Molecular consequence: intron variant.
Genome position (GRCh38, 1-based): chr2:32,115,695, C>G. VCF-style: chr2-32115695-C-G. GRCh37 (hg19) VCF-style: chr2-32340764-C-G.
Other names: c.775-7C>G (NM_199436.2, NM_001377959.1); c.868-7C>G (NM_001363823.2); c.772-7C>G (NM_001363875.2).
Identifiers: ClinVar variation 1690760 (VCV001690760.2), dbSNP rs2148733974, ClinGen allele CA2573134498.

ClinVar aggregate classification (germline): Uncertain significance (1 of 4 stars; one submission).

Submission:

Laboratorio de Genetica e Diagnostico Molecular, Hospital Israelita Albert Einstein
Classification: Uncertain significance. Last evaluated: 2019-12-25. Review status: criteria provided, single submitter. Criteria: ACMG Guidelines, 2015. Collection method: clinical testing. Allele origin: germline. Affected: yes.
Comment: ACMG classification criteria: PM2, BP4